The following is an entry in ClinVar:

ClinVar aggregate classification (germline): Likely pathogenic (1 of 4 stars; one submission).

Conditions:
Autosomal recessive spinocerebellar ataxia 12. Also called: SPINOCEREBELLAR ATAXIA WITH MENTAL RETARDATION AND EPILEPSY. Identifiers: Orphanet 284282, MedGen C3280452, MONDO:0013687, OMIM 614322.
Developmental and epileptic encephalopathy, 1 (DEE1). Also called: X-linked infantile spasms; West's syndrome; Tonic spasms with clustering, arrest of psychomotor development and hypsarrhythmia on EEG; X-Linked Infantile Spasm Syndrome; OHTAHARA SYNDROME, X-LINKED; INFANTILE SPASM SYNDROME, X-LINKED 1. Identifiers: MedGen C3463992, MONDO:0010632, OMIM 308350. Disease mechanism: loss of function.

Submission:

Labcorp Genetics (formerly Invitae), Labcorp
Classification: Likely pathogenic for Developmental and epileptic encephalopathy, 1; Autosomal recessive spinocerebellar ataxia 12. Last evaluated: 2021-11-05. Review status: criteria provided, single submitter. Criteria: Invitae Variant Classification Sherloc (09022015). Collection method: clinical testing. Allele origin: germline.
Comment: This variant results in a copy number gain of the genomic region encompassing exon(s) 7-8 of the WWOX gene. While the exact position of this variant cannot be determined from the data, sub-genic copy number gains are generally in tandem (PMID: 25640679). This variant is predicted to be out-of-frame, and may result in an absent or disrupted protein product. Loss-of-function variants in WWOX are known to be pathogenic (PMID: 24456803, 25411445). This variant has not been reported in the literature in individuals affected with WWOX-related conditions. In summary, the currently available evidence indicates that the variant is pathogenic, but additional data are needed to prove that conclusively. Therefore, this variant has been classified as Likely Pathogenic.

Literature cited by the submitters: PubMed 25640679; PubMed 24456803; PubMed 25411445.

NC_000016.9:g.(?_78458747)_(78466669_?)dup

Genes: WWOX (WW domain containing oxidoreductase; plus strand), LOC112486209 (Sharpr-MPRA regulatory region 4302; plus strand), LOC132090435 (Neanderthal introgressed variant-containing enhancer experimental_46257; plus strand). Cytogenetic location: 16q23.1.
Variant type: Duplication.
Identifiers: ClinVar variation 583590 (VCV000583590.8).